The following is an entry in ClinVar:

NM_003331.5(TYK2):c.810C>T (p.Phe270=)

Gene: TYK2 (tyrosine kinase 2; minus strand). Cytogenetic location: 19p13.2.
Variant type: single nucleotide variant.
Coding change: c.810C>T on transcript NM_003331.5 (MANE Select); coding-DNA position 810, C replaced by T.
Protein change: p.Phe270=; no amino-acid change (phenylalanine 270 retained).
Molecular consequence: synonymous variant.
Genome position (GRCh38, 1-based): chr19:10,365,718, G>A on the plus strand (C>T on the coding strand, the complement: TYK2 is on the minus strand). VCF-style: chr19-10365718-G-A. GRCh37 (hg19) VCF-style: chr19-10476394-G-A.
Other names: c.810C>T (LRG_121t1).
Identifiers: ClinVar variation 536650 (VCV000536650.32), dbSNP rs56107150, ClinGen allele CA9193607.

ClinVar aggregate classification (germline): Likely benign. Review status: criteria provided, multiple submitters, no conflicts (2 of 4 stars). 3 submissions from 3 submitters: Likely benign (3). Last evaluated 2026-01-22.

Conditions:
Immunodeficiency 35 (IMD35). Also called: HIES WITH ATYPICAL MYCOBACTERIOSIS, AUTOSOMAL RECESSIVE; HYPER-IgE SYNDROME WITH ATYPICAL MYCOBACTERIOSIS, AUTOSOMAL RECESSIVE; TYK2 DEFICIENCY; Susceptibility to infection due to TYK2 deficiency. Identifiers: Orphanet 331226, MedGen C1969086, MONDO:0012682, OMIM 611521.

Allele frequency attached by ClinVar (database versions not stated): TOPMed 0.00014; gnomAD exomes 0.00009 and 0.00012; ExAC 0.00012; gnomAD 0.00021; ESP Exome Variant Server 0.00031.
gnomAD v4.1: 162 of 1,612,832 alleles (0.01%); highest among the groups gnomAD compares: Non-Finnish European, 0.012%; no homozygotes.

Submissions (3):

Labcorp Genetics (formerly Invitae), Labcorp
Classification: Likely benign for Immunodeficiency 35. Last evaluated: 2026-01-22. Review status: criteria provided, single submitter. Criteria: Invitae Variant Classification Sherloc (09022015). Collection method: clinical testing. Allele origin: germline.

CeGaT Center for Human Genetics Tuebingen
Classification: Likely benign. Last evaluated: 2025-03-01. Review status: criteria provided, single submitter. Criteria: CeGaT Center For Human Genetics Tuebingen Variant Classification Criteria Version 2. Collection method: clinical testing. Allele origin: germline. Affected: yes. Observed: 2 variant alleles.
Comment: TYK2: BP4, BP7

Blueprint Genetics
Classification: Likely benign. Last evaluated: 2024-11-19. Review status: criteria provided, single submitter. Criteria: ACMG Guidelines, 2015. Collection method: clinical testing. Allele origin: germline.